The following is an entry in ClinVar:

ClinVar aggregate classification (germline): Uncertain significance (1 of 4 stars; one submission).

Submission:

GeneDx
Classification: Uncertain significance. Last evaluated: 2025-06-25. Review status: criteria provided, single submitter. Criteria: GeneDx Variant Classification Process June 2021. Collection method: clinical testing. Allele origin: germline. Affected: yes.
Comment: Not observed at significant frequency in large population cohorts (gnomAD); In silico analysis supports that this missense variant has a deleterious effect on protein structure/function; Has not been previously published as pathogenic or benign to our knowledge

NM_002235.5(KCNA6):c.1265C>T (p.Thr422Met)

Genes: KCNA6 (potassium voltage-gated channel subfamily A member 6; plus strand), KCNA6-AS1 (KCNA6 antisense RNA 1; minus strand). Cytogenetic location: 12p13.32.
Variant type: single nucleotide variant.
Coding change: c.1265C>T on transcript NM_002235.5 (MANE Select); coding-DNA position 1265, C replaced by T.
Protein change: p.Thr422Met; replaces threonine 422 with methionine.
Molecular consequence: missense variant. On other transcripts: non-coding transcript variant (3).
Genome position (GRCh38, 1-based): chr12:4,811,306, C>T. VCF-style: chr12-4811306-C-T. GRCh37 (hg19) VCF-style: chr12-4920472-C-T.
Other names: short protein forms T422M.
Identifiers: ClinVar variation 4540028 (VCV004540028.1).
Genomic context (GRCh38, chr12:4,811,306, plus strand): 5'-ACGATTCGCTTTTTCCCAGCATCCCGGATGCCTTCTGGTGGGCAGTGGTTACAATGACCA[C>T]GGTAGGTTACGGGGACATGTACCCCATGACTGTGGGGGGAAAGATCGTGGGCTCGCTGTG-3'
Protein context (NP_002226.1, residues 412-432): AFWWAVVTMT[Thr422Met]VGYGDMYPMT